The following is an entry in ClinVar:

ClinVar aggregate classification (germline): Benign. Review status: criteria provided, multiple submitters, no conflicts (2 of 4 stars). 2 submissions from 2 submitters: Benign (2). Last evaluated 2025-11-17.

Allele frequency attached by ClinVar (database versions not stated): gnomAD 0.00135 and 0.00136; 1000 Genomes Project 0.00140; gnomAD exomes 0.00140; TOPMed 0.00144; 1000 Genomes Project 30x 0.00156; ExAC 0.00168; ESP Exome Variant Server 0.00223.
gnomAD v4.1: 3,409 of 1,579,720 alleles (0.22%); highest among the groups gnomAD compares: Non-Finnish European, 0.27%; 3 homozygotes.

Submissions (2):

Labcorp Genetics (formerly Invitae), Labcorp
Classification: Benign. Last evaluated: 2025-11-17. Review status: criteria provided, single submitter. Criteria: Invitae Variant Classification Sherloc (09022015). Collection method: clinical testing. Allele origin: germline.

CeGaT Center for Human Genetics Tuebingen
Classification: Benign. Last evaluated: 2022-10-01. Review status: criteria provided, single submitter. Criteria: CeGaT Center For Human Genetics Tuebingen Variant Classification Criteria Version 2. Collection method: clinical testing. Allele origin: germline. Affected: yes. Observed: 1 variant allele.
Comment: ADGRB2: BS1, BS2

NM_001364857.2(ADGRB2):c.4275G>A (p.Pro1425=)

Gene: ADGRB2 (adhesion G protein-coupled receptor B2; minus strand). Cytogenetic location: 1p35.2.
Variant type: single nucleotide variant.
Coding change: c.4275G>A on transcript NM_001364857.2 (MANE Select); coding-DNA position 4275, G replaced by A.
Protein change: p.Pro1425=; no amino-acid change (proline 1425 retained).
Molecular consequence: synonymous variant.
Genome position (GRCh38, 1-based): chr1:31,730,905, C>T on the plus strand (G>A on the coding strand, the complement: ADGRB2 is on the minus strand). VCF-style: chr1-31730905-C-T. GRCh37 (hg19) VCF-style: chr1-32196506-C-T.
Other names: c.4275G>A, p.Pro1425= (NM_001294335.2); c.4176G>A, p.Pro1392= (NM_001294336.2).
Identifiers: ClinVar variation 1631284 (VCV001631284.32), dbSNP rs41311144, ClinGen allele CA735112.